The following is an entry in ClinVar:

ClinVar aggregate classification (germline): Uncertain significance (1 of 4 stars; one submission).

Allele frequency attached by ClinVar (database versions not stated): TOPMed below 0.00001; gnomAD 0.00001.
gnomAD v4.1: 1 of 1,613,630 alleles (0.000062%); highest among the groups gnomAD compares: Non-Finnish European, 0.000085%; no homozygotes.

Submission:

Labcorp Genetics (formerly Invitae), Labcorp
Classification: Uncertain significance. Last evaluated: 2024-11-05. Review status: criteria provided, single submitter. Criteria: Invitae Variant Classification Sherloc (09022015). Collection method: clinical testing. Allele origin: germline.
Comment: This sequence change replaces glycine, which is neutral and non-polar, with aspartic acid, which is acidic and polar, at codon 550 of the MYO7A protein (p.Gly550Asp). This variant is not present in population databases (gnomAD no frequency). This variant has not been reported in the literature in individuals affected with MYO7A-related conditions. ClinVar contains an entry for this variant (Variation ID: 1905180). Invitae Evidence Modeling of protein sequence and biophysical properties (such as structural, functional, and spatial information, amino acid conservation, physicochemical variation, residue mobility, and thermodynamic stability) has been performed for this missense variant. However, the output from this modeling did not meet the statistical confidence thresholds required to predict the impact of this variant on MYO7A protein function. In summary, the available evidence is currently insufficient to determine the role of this variant in disease. Therefore, it has been classified as a Variant of Uncertain Significance.

NM_000260.4(MYO7A):c.1649G>A (p.Gly550Asp)

Gene: MYO7A (myosin VIIA; plus strand). Cytogenetic location: 11q13.5.
Variant type: single nucleotide variant.
Coding change: c.1649G>A on transcript NM_000260.4 (MANE Select); coding-DNA position 1649, G replaced by A.
Protein change: p.Gly550Asp; replaces glycine 550 with aspartic acid.
Molecular consequence: missense variant.
Genome position (GRCh38, 1-based): chr11:77,162,947, G>A. VCF-style: chr11-77162947-G-A. GRCh37 (hg19) VCF-style: chr11-76873993-G-A.
Other names: c.1649G>A, p.Gly550Asp (NM_001127180.2); c.1616G>A, p.Gly539Asp (NM_001369365.1); short protein forms G539D, G550D.
Identifiers: ClinVar variation 1905180 (VCV001905180.5), dbSNP rs1555070219, ClinGen allele CA381936265.